The following is an entry in ClinVar:

NM_001363.5(DKC1):c.796G>A (p.Val266Met)

Gene: DKC1 (dyskerin pseudouridine synthase 1; plus strand). Cytogenetic location: Xq28.
Variant type: single nucleotide variant.
Coding change: c.796G>A on transcript NM_001363.5 (MANE Select); coding-DNA position 796, G replaced by A.
Protein change: p.Val266Met; replaces valine 266 with methionine.
Molecular consequence: missense variant. On other transcripts: non-coding transcript variant (3).
Genome position (GRCh38, 1-based): chrX:154,769,191, G>A. VCF-style: chrX-154769191-G-A. GRCh37 (hg19) VCF-style: chrX-153997466-G-A.
Other names: c.796G>A, p.Val266Met (NM_001142463.3, NM_001288747.2); short protein forms V266M.
Identifiers: ClinVar variation 2576877 (VCV002576877.1), dbSNP rs2523691399, ClinGen allele CA414891144.

ClinVar aggregate classification (germline): Uncertain significance (1 of 4 stars; one submission).

Submission:

GeneDx
Classification: Uncertain significance. Last evaluated: 2023-02-16. Review status: criteria provided, single submitter. Criteria: GeneDx Variant Classification Process June 2021. Collection method: clinical testing. Allele origin: germline. Affected: yes.
Comment: Not observed at significant frequency in large population cohorts (gnomAD); In silico analysis supports that this missense variant has a deleterious effect on protein structure/function; Has not been previously published as pathogenic or benign to our knowledge